The following is an entry in ClinVar:

NM_033380.3(COL4A5):c.2348_2349insT (p.Pro785fs)

Gene: COL4A5 (collagen type IV alpha 5 chain; plus strand). Cytogenetic location: Xq22.3.
Variant type: Insertion.
Coding change: c.2348_2349insT on transcript NM_033380.3 (MANE Select); coding-DNA positions 2348 to 2349, T inserted.
Protein change: p.Pro785fs; shifts the reading frame from proline 785.
Molecular consequence: frameshift variant.
Genome position: GRCh38 VCF-style: chrX-108606845-C-CT. GRCh37 (hg19) VCF-style: chrX-107850075-C-CT.
Other names: c.2348_2349insT, p.Pro785fs (NM_000495.5); short protein forms P785fs.
Identifiers: ClinVar variation 1453194 (VCV001453194.6), dbSNP rs2147832420, ClinGen allele CA2573159095.

ClinVar aggregate classification (germline): Pathogenic (1 of 4 stars; one submission).

Submission:

Labcorp Genetics (formerly Invitae), Labcorp
Classification: Pathogenic. Last evaluated: 2021-05-08. Review status: criteria provided, single submitter. Criteria: Invitae Variant Classification Sherloc (09022015). Collection method: clinical testing. Allele origin: germline.
Comment: For these reasons, this variant has been classified as Pathogenic. This variant has not been reported in the literature in individuals with COL4A5-related conditions. This variant is not present in population databases (ExAC no frequency). This sequence change creates a premature translational stop signal (p.Pro785Serfs*16) in the COL4A5 gene. It is expected to result in an absent or disrupted protein product. Loss-of-function variants in COL4A5 are known to be pathogenic (PMID: 9195222, 10752524, 14514738, 24854265, 26809805).

Literature cited by the submitters: PubMed 9195222; PubMed 10752524; PubMed 14514738; PubMed 24854265; PubMed 26809805.